The following is an entry in ClinVar:

ClinVar aggregate classification (germline): Likely pathogenic (1 of 4 stars; one submission).

Submission:

Labcorp Genetics (formerly Invitae), Labcorp
Classification: Likely pathogenic. Last evaluated: 2021-08-06. Review status: criteria provided, single submitter. Criteria: Invitae Variant Classification Sherloc (09022015). Collection method: clinical testing. Allele origin: germline.
Comment: Algorithms developed to predict the effect of sequence changes on RNA splicing suggest that this variant may disrupt the consensus splice site. In summary, the currently available evidence indicates that the variant is pathogenic, but additional data are needed to prove that conclusively. Therefore, this variant has been classified as Likely Pathogenic. This variant has not been reported in the literature in individuals affected with COL27A1-related conditions. This variant is not present in population databases (ExAC no frequency). This sequence change affects a donor splice site in intron 57 of the COL27A1 gene. It is expected to disrupt RNA splicing. Variants that disrupt the donor or acceptor splice site typically lead to a loss of protein function (PMID: 16199547), and loss-of-function variants in COL27A1 are known to be pathogenic (PMID: 24986830, 28276056).

Literature cited by the submitters: PubMed 16199547; PubMed 24986830; PubMed 28276056.

NM_032888.4(COL27A1):c.4938+1G>C

Gene: COL27A1 (collagen type XXVII alpha 1 chain; plus strand). Cytogenetic location: 9q32.
Variant type: single nucleotide variant.
Coding change: c.4938+1G>C on transcript NM_032888.4 (MANE Select); the canonical splice donor site of the intron after coding-DNA position 4938, G replaced by C.
Molecular consequence: splice donor variant.
Genome position (GRCh38, 1-based): chr9:114,304,674, G>C. VCF-style: chr9-114304674-G-C. GRCh37 (hg19) VCF-style: chr9-117066954-G-C.
Identifiers: ClinVar variation 1497010 (VCV001497010.6), dbSNP rs1432130710, ClinGen allele CA374595038.